The following is an entry in ClinVar:

ClinVar aggregate classification (germline): Uncertain significance (1 of 4 stars; one submission).

gnomAD v4.1: 7 of 1,614,156 alleles (0.00043%); highest among the groups gnomAD compares: Non-Finnish European, 0.00059%; no homozygotes.

Submission:

Labcorp Genetics (formerly Invitae), Labcorp
Classification: Uncertain significance. Last evaluated: 2025-10-29. Review status: criteria provided, single submitter. Criteria: Invitae Variant Classification Sherloc (09022015). Collection method: clinical testing. Allele origin: germline.
Comment: This sequence change replaces isoleucine, which is neutral and non-polar, with valine, which is neutral and non-polar, at codon 150 of the TMEM230 protein (p.Ile150Val). This variant is not present in population databases (gnomAD no frequency). This variant has not been reported in the literature in individuals affected with TMEM230-related conditions. An algorithm developed to predict the effect of missense changes on protein structure and function (PolyPhen-2) suggests that this variant is likely to be tolerated. In summary, the available evidence is currently insufficient to determine the role of this variant in disease. Therefore, it has been classified as a Variant of Uncertain Significance.

NM_001009925.2(TMEM230):c.259A>G (p.Ile87Val)

Gene: TMEM230 (transmembrane protein 230; minus strand). Cytogenetic location: 20p12.3.
Variant type: single nucleotide variant.
Coding change: c.259A>G on transcript NM_001009925.2 (MANE Select); coding-DNA position 259, A replaced by G.
Protein change: p.Ile87Val; replaces isoleucine 87 with valine.
Molecular consequence: missense variant. On other transcripts: intron variant (1).
Genome position (GRCh38, 1-based): chr20:5,100,895, T>C on the plus strand (A>G on the coding strand, the complement: TMEM230 is on the minus strand). VCF-style: chr20-5100895-T-C. GRCh37 (hg19) VCF-style: chr20-5081541-T-C.
Other names: c.259A>G, p.Ile87Val (NM_001009924.2, NM_001330984.2, NM_001330985.2 and 3 more transcripts); c.222+5293A>G (NM_001330987.2); short protein forms I87V.
Identifiers: ClinVar variation 4730165 (VCV004730165.1).
Genomic context (GRCh38, chr20:5,100,895, plus strand): 5'-AGCCTTTGGATGCATAGTAAGCGATGCGCAGGTGGTAAAATCCGGGTAGGAACACCAGAA[T>C]GCCAATGATCAGCACTGGAACGGCCCGGTCTGCCCCCTGGTGGCAGAAGGAGGCAAACAC-3'
Protein context (NP_001009925.1, residues 77-97): DRAVPVLIIG[Ile87Val]LVFLPGFYHL